The following is an entry in ClinVar:

NM_001330288.2(SMARCC2):c.2978C>A (p.Pro993Gln)

Gene: SMARCC2 (SWI/SNF related BAF chromatin remodeling complex subunit C2; minus strand). Cytogenetic location: 12q13.2.
Variant type: single nucleotide variant.
Coding change: c.2978C>A on transcript NM_001330288.2 (MANE Select); coding-DNA position 2978, C replaced by A.
Protein change: p.Pro993Gln; replaces proline 993 with glutamine.
Molecular consequence: missense variant.
Genome position (GRCh38, 1-based): chr12:56,165,572, G>T on the plus strand (C>A on the coding strand, the complement: SMARCC2 is on the minus strand). VCF-style: chr12-56165572-G-T. GRCh37 (hg19) VCF-style: chr12-56559356-G-T.
Other names: c.2978C>A, p.Pro993Gln (NM_001130420.3, NM_139067.4); c.2885C>A, p.Pro962Gln (NM_003075.5); short protein forms P962Q, P993Q.
Identifiers: ClinVar variation 2505006 (VCV002505006.1), dbSNP rs2540843633, ClinGen allele CA385339806.
Genomic context (GRCh38, chr12:56,165,572, plus strand): 5'-GCGGGTGGCCCAGCAGCCCCTGTTGGGGGGATAGGCTGGGAGCCTGGGGGCAGGGCTGGT[G>T]GTGGCTGCTGCTGCTGTTGGTGCATCTGTTGGAAGTGCTGCTGCCGAGCCCTCATCTCCG-3'
Protein context (NP_001317217.1, residues 983-1003): QQMHQQQQQP[Pro993Gln]PALPPGSQPI

ClinVar aggregate classification (germline): Uncertain significance (1 of 4 stars; one submission).

Submission:

GeneDx
Classification: Uncertain significance. Last evaluated: 2022-12-06. Review status: criteria provided, single submitter. Criteria: GeneDx Variant Classification Process June 2021. Collection method: clinical testing. Allele origin: germline. Affected: yes.
Comment: Not observed at significant frequency in large population cohorts (gnomAD); In silico analysis supports that this missense variant does not alter protein structure/function; Has not been previously published as pathogenic or benign to our knowledge